The following is an entry in ClinVar:

ClinVar aggregate classification (germline): Conflicting classifications of pathogenicity. Review status: criteria provided, conflicting classifications (1 of 4 stars). 3 submissions from 3 submitters: Pathogenic (1); Uncertain significance (1). 1 of the submissions does not count toward it. Last evaluated 2025-03-26.

Conditions:
Hereditary cancer-predisposing syndrome. Also called: Tumor predisposition; Hereditary neoplastic syndrome; Neoplastic Syndromes, Hereditary; Hereditary Cancer Syndrome. Identifiers: Orphanet 140162, MedGen C0027672, MeSH D009386, MONDO:0015356.
Colorectal cancer, susceptibility to, 12 (CRCS12). Also called: COLORECTAL CANCER, SUSCEPTIBILITY TO, ON CHROMOSOME 12q24. Identifiers: Orphanet 220460, MedGen C3554460, MONDO:0014038, OMIM 615083.

Submissions (3):

Ambry Genetics
Classification: Uncertain significance for Hereditary cancer-predisposing syndrome. Last evaluated: 2025-03-26. Review status: criteria provided, single submitter. Criteria: Ambry Variant Classification Scheme 2023. Collection method: clinical testing. Allele origin: germline.
Comment: The c.6236_6254del19 variant, located in coding exon 45 of the POLE gene, results from a deletion of 19 nucleotides at nucleotide positions 6236 to 6254, causing a translational frameshift with a predicted alternate stop codon (p.N2079Rfs*38). This alteration is expected to result in loss of function by premature protein truncation or nonsense-mediated mRNA decay. Although biallelic loss of function of POLE has been associated with autosomal recessive POLE deficiency, haploinsufficiency of POLE has not been established as a mechanism of disease for POLE-related polymerase proofreading-associated polyposis (PPAP) and POLE-related CMMRD-like syndrome. Based on the supporting evidence, this variant is expected to be causative of POLE deficiency when present along with a second pathogenic variant on the other allele; however, its clinical significance for PPAP and POLE-related CMMRD-like syndrome is unclear.

Labcorp Genetics (formerly Invitae), Labcorp
Classification: Pathogenic. Last evaluated: 2025-01-14. Review status: criteria provided, single submitter. Criteria: Invitae Variant Classification Sherloc (09022015). Collection method: clinical testing. Allele origin: germline.
Comment: This sequence change creates a premature translational stop signal (p.Asn2079Argfs*38) in the POLE gene. It is expected to result in an absent or disrupted protein product. Loss-of-function variants in POLE are known to be pathogenic (PMID: 23230001, 25948378, 30503519). This variant is present in population databases (rs765923256, gnomAD 0.01%). This variant has not been reported in the literature in individuals affected with POLE-related conditions. ClinVar contains an entry for this variant (Variation ID: 371939). For these reasons, this variant has been classified as Pathogenic.

Counsyl
Classification: Uncertain significance for Colorectal cancer, susceptibility to, 12. Last evaluated: 2016-08-31. Review status: no assertion criteria provided. Collection method: clinical testing. Allele origin: unknown. Not counted in ClinVar's aggregate classification.

Literature cited by the submitters: PubMed 23230001 (cited by Labcorp Genetics (formerly Invitae), Labcorp); PubMed 25948378 (cited by Labcorp Genetics (formerly Invitae), Labcorp); PubMed 30503519 (cited by Labcorp Genetics (formerly Invitae), Labcorp).

NM_006231.4(POLE):c.6236_6254del (p.Asn2079fs)

Gene: POLE (DNA polymerase epsilon, catalytic subunit; minus strand). Cytogenetic location: 12q24.33.
Variant type: Deletion.
Coding change: c.6236_6254del on transcript NM_006231.4 (MANE Select); coding-DNA positions 6236 to 6254, 19 bases deleted (ACTCCACTGAGCTCTCAGA).
Protein change: p.Asn2079fs; shifts the reading frame from asparagine 2079.
Molecular consequence: frameshift variant.
Genome position (GRCh38, 1-based): chr12:132,632,391-132,632,409, TCTGAGAGCTCAGTGGAGT deleted on the plus strand (ACTCCACTGAGCTCTCAGA on the coding strand, the reverse complement: POLE is on the minus strand); deleting any 19 consecutive bases within chr12:132,632,391-132,632,411 gives the same sequence; the c. name uses the placement nearest the transcript's 3' end. VCF-style (leftmost placement, unchanged base first): chr12-132632390-CTCTGAGAGCTCAGTGGAGT-C. GRCh37 (hg19) VCF-style: chr12-133208976-CTCTGAGAGCTCAGTGGAGT-C.
Other names: short protein forms N2079fs.
Identifiers: ClinVar variation 371939 (VCV000371939.16), dbSNP rs765923256, ClinGen allele CA6892241.